The following is an entry in ClinVar:

NM_015117.3(ZC3H3):c.2811C>T (p.Asp937=)

Gene: ZC3H3 (zinc finger CCCH-type containing 3; minus strand). Cytogenetic location: 8q24.3.
Variant type: single nucleotide variant.
Coding change: c.2811C>T on transcript NM_015117.3 (MANE Select); coding-DNA position 2811, C replaced by T.
Protein change: p.Asp937=; no amino-acid change (aspartic acid 937 retained).
Molecular consequence: synonymous variant.
Genome position (GRCh38, 1-based): chr8:143,440,045, G>A on the plus strand (C>T on the coding strand, the complement: ZC3H3 is on the minus strand). VCF-style: chr8-143440045-G-A. GRCh37 (hg19) VCF-style: chr8-144522215-G-A.
Identifiers: ClinVar variation 2658895 (VCV002658895.24), dbSNP rs755614487, ClinGen allele CA187532968.

ClinVar aggregate classification (germline): Likely benign (1 of 4 stars; one submission).

Submission:

CeGaT Center for Human Genetics Tuebingen
Classification: Likely benign. Last evaluated: 2022-07-01. Review status: criteria provided, single submitter. Criteria: CeGaT Center For Human Genetics Tuebingen Variant Classification Criteria Version 2. Collection method: clinical testing. Allele origin: germline. Affected: yes. Observed: 1 variant allele.
Comment: ZC3H3: BP4, BP7